The following is an entry in ClinVar:

NM_058216.3(RAD51C):c.335G>A (p.Gly112Glu)

Gene: RAD51C (RAD51 paralog C; plus strand). Cytogenetic location: 17q22.
Variant type: single nucleotide variant.
Coding change: c.335G>A on transcript NM_058216.3 (MANE Select); coding-DNA position 335, G replaced by A.
Protein change: p.Gly112Glu; replaces glycine 112 with glutamic acid.
Molecular consequence: missense variant. On other transcripts: non-coding transcript variant (2).
Genome position (GRCh38, 1-based): chr17:58,695,120, G>A. VCF-style: chr17-58695120-G-A. GRCh37 (hg19) VCF-style: chr17-56772481-G-A.
Other names: c.335G>A, p.Gly112Glu (NM_002876.4); short protein forms G112E.
Identifiers: ClinVar variation 661813 (VCV000661813.14), dbSNP rs370212314, ClinGen allele CA8677198.

ClinVar aggregate classification (germline): Conflicting classifications of pathogenicity. Review status: criteria provided, conflicting classifications (1 of 4 stars). 3 submissions from 3 submitters: Uncertain significance (2); Likely benign (1). Last evaluated 2025-11-19.

Conditions:
Hereditary cancer-predisposing syndrome. Also called: Neoplastic Syndromes, Hereditary; Hereditary neoplastic syndrome; Tumor predisposition; Hereditary Cancer Syndrome. Identifiers: Orphanet 140162, MedGen C0027672, MeSH D009386, MONDO:0015356.
Breast-ovarian cancer, familial, susceptibility to, 3. Also called: RAD51C-Related Breast/Ovarian Cancer. Identifiers: Orphanet 145, MedGen C3150659, MONDO:0013253, OMIM 613399.
Fanconi anemia complementation group O. Also called: RAD51C-Related Fanconi Anemia. Identifiers: Orphanet 84, MedGen C3150653, MONDO:0013248, OMIM 613390.

Allele frequency attached by ClinVar (database versions not stated): ExAC 0.00001.

Submissions (3):

Labcorp Genetics (formerly Invitae), Labcorp
Classification: Uncertain significance for Fanconi anemia complementation group O. Last evaluated: 2025-11-19. Review status: criteria provided, single submitter. Criteria: Invitae Variant Classification Sherloc (09022015). Collection method: clinical testing. Allele origin: germline.
Comment: This sequence change replaces glycine, which is neutral and non-polar, with glutamic acid, which is acidic and polar, at codon 112 of the RAD51C protein (p.Gly112Glu). This variant is not present in population databases (gnomAD no frequency). This variant has not been reported in the literature in individuals affected with RAD51C-related conditions. ClinVar contains an entry for this variant (Variation ID: 661813). Invitae Evidence Modeling of protein sequence and biophysical properties (such as structural, functional, and spatial information, amino acid conservation, physicochemical variation, residue mobility, and thermodynamic stability) indicates that this missense variant is not expected to disrupt RAD51C protein function with a negative predictive value of 80%. Experimental studies have shown that this missense change does not substantially affect RAD51C function (PMID: 37253112). In summary, the available evidence is currently insufficient to determine the role of this variant in disease. Therefore, it has been classified as a Variant of Uncertain Significance.

Ambry Genetics
Classification: Likely benign for Hereditary cancer-predisposing syndrome. Last evaluated: 2025-10-30. Review status: criteria provided, single submitter. Criteria: Ambry Variant Classification Scheme 2023. Collection method: clinical testing. Allele origin: germline.

Baylor Genetics
Classification: Uncertain significance for Breast-ovarian cancer, familial, susceptibility to, 3. Last evaluated: 2023-08-11. Review status: criteria provided, single submitter. Criteria: ACMG Guidelines, 2015. Collection method: clinical testing. Allele origin: unknown.

Literature cited by the submitters: PubMed 37253112 (cited by Labcorp Genetics (formerly Invitae), Labcorp and Ambry Genetics); PubMed 39299233 (cited by Ambry Genetics).